The following is an entry in ClinVar:

NM_005592.4(MUSK):c.1944G>A (p.Gly648=)

Gene: MUSK (muscle associated receptor tyrosine kinase; plus strand). Cytogenetic location: 9q31.3.
Variant type: single nucleotide variant.
Coding change: c.1944G>A on transcript NM_005592.4 (MANE Select); coding-DNA position 1944, G replaced by A.
Protein change: p.Gly648=; no amino-acid change (glycine 648 retained).
Molecular consequence: synonymous variant.
Genome position (GRCh38, 1-based): chr9:110,800,322, G>A. VCF-style: chr9-110800322-G-A. GRCh37 (hg19) VCF-style: chr9-113562602-G-A.
Other names: p.Gly648=; c.1686G>A, p.Gly562= (NM_001166280.2); c.1656G>A, p.Gly552= (NM_001166281.2); c.684G>A, p.Gly228= (NM_001369398.1).
Identifiers: ClinVar variation 759533 (VCV000759533.10), dbSNP rs1206244035, ClinGen allele CA466686567.

ClinVar aggregate classification (germline): Likely benign. Review status: criteria provided, multiple submitters, no conflicts (2 of 4 stars). 2 submissions from 2 submitters: Likely benign (2). Last evaluated 2025-10-22.

Conditions:
Congenital myasthenic syndrome 9. Also called: Myasthenic syndrome, congenital, 9, associated with acetylcholine receptor deficiency. Identifiers: Orphanet 590, MedGen C4225368, MONDO:0014587, OMIM 616325.
Fetal akinesia deformation sequence 1 (FADS1). Also called: Pena-Shokeir syndrome type I; Fetal akinesia sequence. Identifiers: Orphanet 994, MedGen C1276035, MONDO:0100101, OMIM 208150, HP:0001989.

Allele frequency attached by ClinVar (database versions not stated): gnomAD exomes below 0.00001 and 0.00001; TOPMed below 0.00001; gnomAD 0.00002.
gnomAD v4.1: 11 of 1,609,358 alleles (0.00068%); highest among the groups gnomAD compares: Non-Finnish European, 0.00085%; no homozygotes.

Submissions (2):

Mayo Clinic Laboratories, Mayo Clinic
Classification: Likely benign. Last evaluated: 2025-10-22. Review status: criteria provided, single submitter. Criteria: ACMG Guidelines, 2015. Collection method: clinical testing. Allele origin: germline. Observed: 1 variant allele.
Comment: BP4, BP7

Labcorp Genetics (formerly Invitae), Labcorp
Classification: Likely benign for Congenital myasthenic syndrome 9; Fetal akinesia deformation sequence 1. Last evaluated: 2025-04-25. Review status: criteria provided, single submitter. Criteria: Invitae Variant Classification Sherloc (09022015). Collection method: clinical testing. Allele origin: germline.